The following is an entry in ClinVar:

ClinVar aggregate classification (germline): Likely benign. Review status: criteria provided, single submitter (1 of 4 stars). 2 submissions from 2 submitters: Likely benign (1). 1 of the submissions does not count toward it. Last evaluated 2023-11-20.

Conditions:
GANAB-related disorder. Also called: GANAB-related condition.

Allele frequency attached by ClinVar (database versions not stated): gnomAD 0.00001; gnomAD exomes 0.00001; ExAC 0.00002; TOPMed 0.00002; ESP Exome Variant Server 0.00008.
gnomAD v4.1: 15 of 1,613,524 alleles (0.00093%); highest among the groups gnomAD compares: Non-Finnish European, 0.0013%; no homozygotes.

Submissions (2):

Blueprint Genetics
Classification: Likely benign. Last evaluated: 2023-11-20. Review status: criteria provided, single submitter. Criteria: ACMG Guidelines, 2015. Collection method: clinical testing. Allele origin: germline.

PreventionGenetics, part of Exact Sciences
Classification: Likely benign for GANAB-related condition. Last evaluated: 2023-01-19. Review status: no assertion criteria provided. Collection method: clinical testing. Allele origin: germline. Not counted in ClinVar's aggregate classification.
Comment: This variant is classified as likely benign based on ACMG/AMP sequence variant interpretation guidelines (Richards et al. 2015 PMID: 25741868, with internal and published modifications).

NM_198334.3(GANAB):c.984C>T (p.Asn328=)

Gene: GANAB (glucosidase II alpha subunit; minus strand). Cytogenetic location: 11q12.3.
Variant type: single nucleotide variant.
Coding change: c.984C>T on transcript NM_198334.3 (MANE Select); coding-DNA position 984, C replaced by T.
Protein change: p.Asn328=; no amino-acid change (asparagine 328 retained).
Molecular consequence: synonymous variant.
Genome position (GRCh38, 1-based): chr11:62,632,577, G>A on the plus strand (C>T on the coding strand, the complement: GANAB is on the minus strand). VCF-style: chr11-62632577-G-A. GRCh37 (hg19) VCF-style: chr11-62400049-G-A.
Other names: c.708C>T, p.Asn236= (NM_001278192.2); c.642C>T, p.Asn214= (NM_001278193.2); c.693C>T, p.Asn231= (NM_001278194.2, NM_001329222.2, NM_001329223.2); c.261C>T, p.Asn87= (NM_001329224.2, NM_001329225.2); c.1050C>T, p.Asn350= (NM_198335.4).
Identifiers: ClinVar variation 3031536 (VCV003031536.3), dbSNP rs369079242, ClinGen allele CA6050903.